The following is an entry in ClinVar:

ClinVar aggregate classification (germline): Uncertain significance. Review status: criteria provided, multiple submitters, no conflicts (2 of 4 stars). 2 submissions from 2 submitters: Uncertain significance (2). Last evaluated 2025-08-03.

Submissions (2):

Labcorp Genetics (formerly Invitae), Labcorp
Classification: Uncertain significance. Last evaluated: 2025-08-03. Review status: criteria provided, single submitter. Criteria: Invitae Variant Classification Sherloc (09022015). Collection method: clinical testing. Allele origin: germline.
Comment: This variant, c.6277_6282dup, results in the insertion of 2 amino acid(s) of the CHD8 protein (p.Ser2093_Ser2094dup), but otherwise preserves the integrity of the reading frame. This variant is present in population databases (rs749933003, gnomAD 0.008%). This variant has not been reported in the literature in individuals affected with CHD8-related conditions. ClinVar contains an entry for this variant (Variation ID: 1676412). Experimental studies and prediction algorithms are not available or were not evaluated, and the functional significance of this variant is currently unknown. In summary, the available evidence is currently insufficient to determine the role of this variant in disease. Therefore, it has been classified as a Variant of Uncertain Significance.

GeneDx
Classification: Uncertain significance. Last evaluated: 2022-08-15. Review status: criteria provided, single submitter. Criteria: GeneDx Variant Classification Process June 2021. Collection method: clinical testing. Allele origin: germline. Affected: yes.
Comment: In-frame insertion of 2 amino acids in a non-repeat region; Has not been previously published as pathogenic or benign to our knowledge

NM_001170629.2(CHD8):c.6265TCCAGC[4] (p.Ser2094_Thr2095insSerSer)

Gene: CHD8 (chromodomain helicase DNA binding protein 8; minus strand). Cytogenetic location: 14q11.2.
Variant type: Microsatellite.
Coding change: c.6265TCCAGC[4] on transcript NM_001170629.2 (MANE Select); four copies in a row of the 6-base unit TCCAGC starting at c.6265; the reference has three copies in a row; one copy, 6 bases duplicated.
Protein change: p.Ser2094_Thr2095insSerSer.
Genome position (GRCh38, 1-based): chr14:21,393,513-21,393,518, GCTGGA duplicated on the plus strand (TCCAGC on the coding strand, the reverse complement: CHD8 is on the minus strand); duplicating any 6 consecutive bases within chr14:21,393,513-21,393,530 gives the same sequence; the position shown is the placement nearest the transcript's 3' end. VCF-style (leftmost placement, unchanged base first): chr14-21393512-T-TGCTGGA. GRCh37 (hg19) VCF-style: chr14-21861671-T-TGCTGGA.
Other names: c.5428TCCAGC[4], p.Ser1815_Thr1816insSerSer (NM_020920.4).
Identifiers: ClinVar variation 1676412 (VCV001676412.6), dbSNP rs749933003, ClinGen allele CA7090811.